The following is an entry in ClinVar:

ClinVar aggregate classification (germline): Conflicting classifications of pathogenicity. Review status: criteria provided, conflicting classifications (1 of 4 stars). 7 submissions from 7 submitters: Uncertain significance (2); Benign (1); Likely benign (2). 2 of the submissions do not count toward it. Last evaluated 2026-02-01.

Conditions:
TH-related disorder. Also called: TH-related condition.
TH-deficient dopa-responsive dystonia. Also called: DYT-TH; Segawa syndrome, autosomal recessive; Tyrosine Hydroxylase-Deficient Dopa-Responsive Dystonia. Identifiers: Orphanet 101150, MedGen C2673535, MONDO:0011551, OMIM 605407.

Allele frequency attached by ClinVar (database versions not stated): 1000 Genomes Project 0.00140; TOPMed 0.00045; 1000 Genomes Project 30x 0.00109; gnomAD 0.00027 and 0.00031.
gnomAD v4.1: 430 of 1,608,870 alleles (0.027%); highest among the groups gnomAD compares: East Asian, 0.6%; 1 homozygote.

Submissions (7):

Labcorp Genetics (formerly Invitae), Labcorp
Classification: Benign for TH-deficient dopa-responsive dystonia. Last evaluated: 2026-02-01. Review status: criteria provided, single submitter. Criteria: Invitae Variant Classification Sherloc (09022015). Collection method: clinical testing. Allele origin: germline.

Mayo Clinic Laboratories, Mayo Clinic
Classification: Uncertain significance. Last evaluated: 2024-08-29. Review status: criteria provided, single submitter. Criteria: ACMG Guidelines, 2015. Collection method: clinical testing. Allele origin: germline. Observed: 1 variant allele.
Comment: BS1, PM3

GeneDx
Classification: Uncertain significance. Last evaluated: 2024-05-10. Review status: criteria provided, single submitter. Criteria: GeneDx Variant Classification Process June 2021. Collection method: clinical testing. Allele origin: germline. Affected: yes.
Comment: In silico analysis indicates that this missense variant does not alter protein structure/function; This variant is associated with the following publications: (PMID: 32219836)

Athena Diagnostics
Classification: Likely benign. Last evaluated: 2018-11-23. Review status: criteria provided, single submitter. Criteria: Athena Diagnostics Criteria. Collection method: clinical testing. Allele origin: germline.

Illumina Laboratory Services, Illumina
Classification: Likely benign for TH-deficient dopa-responsive dystonia. Last evaluated: 2018-01-13. Review status: criteria provided, single submitter. Criteria: ICSL Variant Classification Criteria 13 December 2019. Collection method: clinical testing. Allele origin: germline.
Comment: This variant was observed in the ICSL laboratory as part of a predisposition screen in an ostensibly healthy population. It had not been previously curated by ICSL or reported in the Human Gene Mutation Database (HGMD: prior to June 1st, 2018), and was therefore a candidate for classification through an automated scoring system. Utilizing variant allele frequency, disease prevalence and penetrance estimates, and inheritance mode, an automated score was calculated to assess if this variant is too frequent to cause the disease. Based on the score and internal cut-off values, a variant classified as likely benign is not then subjected to further curation. The score for this variant resulted in a classification of likely benign for this disease.

Natera, Inc.
Classification: Benign for Autosomal recessive Segawa syndrome. Last evaluated: 2020-04-12. Review status: no assertion criteria provided. Collection method: clinical testing. Allele origin: germline. Not counted in ClinVar's aggregate classification.

PreventionGenetics, part of Exact Sciences
Classification: Likely benign for TH-related condition. Last evaluated: 2019-10-03. Review status: no assertion criteria provided. Collection method: clinical testing. Allele origin: germline. Not counted in ClinVar's aggregate classification.
Comment: This variant is classified as likely benign based on ACMG/AMP sequence variant interpretation guidelines (Richards et al. 2015 PMID: 25741868, with internal and published modifications).

Literature cited by the submitters: PubMed 29396176 (cited by Mayo Clinic Laboratories, Mayo Clinic); PubMed 32219836 (cited by Mayo Clinic Laboratories, Mayo Clinic).

NM_000360.4(TH):c.627C>G (p.Ile209Met)

Gene: TH (tyrosine hydroxylase; minus strand). Cytogenetic location: 11p15.5.
Variant type: single nucleotide variant.
Coding change: c.627C>G on transcript NM_000360.4 (MANE Select); coding-DNA position 627, C replaced by G.
Protein change: p.Ile209Met; replaces isoleucine 209 with methionine.
Molecular consequence: missense variant.
Genome position (GRCh38, 1-based): chr11:2,167,883, G>C on the plus strand (C>G on the coding strand, the complement: TH is on the minus strand). VCF-style: chr11-2167883-G-C. GRCh37 (hg19) VCF-style: chr11-2189113-G-C.
Other names: p.Ile240Met; c.720C>G, p.Ile240Met (NM_199292.3); c.708C>G, p.Ile236Met (NM_199293.3); short protein forms I209M, I240M, I236M.
Identifiers: ClinVar variation 304077 (VCV000304077.21), dbSNP rs202149985, ClinGen allele CA5818574.